The following is an entry in ClinVar:

ClinVar aggregate classification (germline): Likely pathogenic. Review status: criteria provided, multiple submitters, no conflicts (2 of 4 stars). 2 submissions from 2 submitters: Likely pathogenic (2). Last evaluated 2025-08-01.

Conditions:
Hereditary breast ovarian cancer syndrome. Also called: Hereditary breast and ovarian cancer; Hereditary breast and ovarian cancer syndrome (HBOC); Breast and ovarian cancer; Hereditary breast and/or ovarian cancer syndrome; BRCA1- and BRCA2-Associated Hereditary Breast and Ovarian Cancer; Hereditary breast and ovarian cancer syndrome. Identifiers: Orphanet 145, MedGen C0677776, MeSH D061325, MONDO:0003582. Disease mechanism: loss of function.
Hereditary cancer-predisposing syndrome. Also called: Neoplastic Syndromes, Hereditary; Tumor predisposition; Hereditary Cancer Syndrome; Hereditary neoplastic syndrome. Identifiers: Orphanet 140162, MedGen C0027672, MeSH D009386, MONDO:0015356.

Submissions (3):

Ambry Genetics
Classification: Likely pathogenic for Hereditary cancer-predisposing syndrome. Last evaluated: 2025-08-01. Review status: criteria provided, single submitter. Criteria: Ambry Variant Classification Scheme 2023. Collection method: clinical testing. Allele origin: germline.
Comment: The c.5152+5G>T intronic variant results from a G to T substitution 5 nucleotides after coding exon 16 in the BRCA1 gene. In one case control study, this alteration was detected in 1/2222 individuals with invasive epithelial ovarian cancer and 0/1528 matched controls (Song H et al. Hum Mol Genet, 2014 Sep;23:4703-9). One functional study found that this nucleotide substitution is non-functional in a high throughput genome editing haploid cell survival assay (Findlay GM et al. Nature, 2018 Oct;562:217-222). This variant is considered to be rare based on population cohorts in the Genome Aggregation Database (gnomAD). This nucleotide position is highly conserved in available vertebrate species. In silico splice site analysis predicts that this alteration will weaken the native splice donor site. RNA studies have demonstrated this alteration results in abnormal splicing (Ambry internal data). Based on the majority of available evidence to date, this variant is likely to be pathogenic.

Women's Health and Genetics/Laboratory Corporation of America, LabCorp
Classification: Likely pathogenic for Hereditary breast and ovarian cancer syndrome. Last evaluated: 2020-05-04. Review status: criteria provided, single submitter. Criteria: LabCorp Variant Classification Summary - May 2015. Collection method: clinical testing. Allele origin: germline.
Comment: Variant summary: BRCA1 c.5152+5G>T alters a conserved nucleotide located close to a canonical splice site and therefore could affect mRNA splicing, leading to a significantly altered protein sequence. Several computational tools predict a significant impact on normal splicing: Four predict the variant abolishes a 5 splicing donor site. At least one publication reports that this variant results in skipping of exon 18 (Farber-Katz_2018). The variant was absent in 251212 control chromosomes (gnomAD) but has been reported in the literature in individuals affected with Hereditary Breast And Ovarian Cancer Syndrome (Farber-Katz_2018, Song_2014). These data indicate that the variant may be associated with disease. Other nucleotide changes in this position (c.5152+5G>C, c.5152+5G>A) has been reported as pathogenic in ClinVar and HGMD. ClinVar contains an entry for this variant, however no classification is provided (Variation ID: 867708). Based on the evidence outlined above, the variant was classified as likely pathogenic.

Brotman Baty Institute, University of Washington
No classification provided (evidence only). Condition: Breast-ovarian cancer, familial 1. Review status: no classification provided. Collection method: in vitro. Allele origin: not applicable. Functional consequence: functionally_abnormal. Not counted in ClinVar's aggregate classification.
ClinVar note: "not provided" was previously submitted as the classification for the variant. However, the classification appeared to be based only on an observation of functional data so it was converted to no classification on 2025-07-30.

Literature cited by the submitters: PubMed 24728189 (cited by Ambry Genetics and Women's Health and Genetics/Laboratory Corporation of America, LabCorp); PubMed 30209399 (cited by Ambry Genetics); PubMed 30101128 (cited by Women's Health and Genetics/Laboratory Corporation of America, LabCorp).

NM_007294.4(BRCA1):c.5152+5G>T

Gene: BRCA1 (BRCA1 DNA repair associated; minus strand). Cytogenetic location: 17q21.31.
Variant type: single nucleotide variant.
Coding change: c.5152+5G>T on transcript NM_007294.4 (MANE Select); 5 bases into the intron after coding-DNA position 5152, G replaced by T.
Molecular consequence: intron variant.
Genome position (GRCh38, 1-based): chr17:43,063,869, C>A on the plus strand (G>T on the coding strand, the complement: BRCA1 is on the minus strand). VCF-style: chr17-43063869-C-A. GRCh37 (hg19) VCF-style: chr17-41215886-C-A.
Other names: c.5008+5G>T (NM_001407744.1, NM_001407750.1, NM_001407732.1 and 21 more transcripts); c.1579+5G>T (NM_001408496.1, NM_001408499.1, NM_001408498.1 and 3 more transcripts); c.4885+5G>T (NM_001407929.1, NM_001407930.1, NM_001407933.1 and 4 more transcripts); c.4888+5G>T (NM_001407924.1, NM_001407920.1, NM_001407923.1 and 4 more transcripts); c.1699+5G>T (NM_001408460.1, NM_001408465.1, NM_001408463.1 and 7 more transcripts); c.1702+5G>T (NM_001408454.1, NM_001408456.1, NM_001408453.1 and 3 more transcripts); c.5005+5G>T (NM_001407852.1, NM_001407853.1, NM_001407843.1 and 12 more transcripts); c.5011+5G>T (NM_001407698.1, NM_001407942.1, NM_001407694.1 and 13 more transcripts); and 73 more.
Identifiers: ClinVar variation 867708 (VCV000867708.7), dbSNP rs80358165, ClinGen allele CA916080122.